The following is an entry in ClinVar:

NM_033225.6(CSMD1):c.6063C>G (p.Thr2021=)

Gene: CSMD1 (CUB and Sushi multiple domains 1; minus strand). Cytogenetic location: 8p23.2.
Variant type: single nucleotide variant.
Coding change: c.6063C>G on transcript NM_033225.6 (MANE Select); coding-DNA position 6063, C replaced by G.
Protein change: p.Thr2021=; no amino-acid change (threonine 2021 retained).
Molecular consequence: synonymous variant.
Genome position (GRCh38, 1-based): chr8:3,142,643, G>C on the plus strand (C>G on the coding strand, the complement: CSMD1 is on the minus strand). VCF-style: chr8-3142643-G-C. GRCh37 (hg19) VCF-style: chr8-3000165-G-C.
Identifiers: ClinVar variation 2658331 (VCV002658331.24), dbSNP rs374372985, ClinGen allele CA170680095.

ClinVar aggregate classification (germline): Likely benign (1 of 4 stars; one submission).

Allele frequency attached by ClinVar (database versions not stated): ESP Exome Variant Server 0.00008.
gnomAD v4.1: 5 of 1,613,586 alleles (0.00031%); highest among the groups gnomAD compares: Middle Eastern, 0.016%; no homozygotes.

Submission:

CeGaT Center for Human Genetics Tuebingen
Classification: Likely benign. Last evaluated: 2022-10-01. Review status: criteria provided, single submitter. Criteria: CeGaT Center For Human Genetics Tuebingen Variant Classification Criteria Version 2. Collection method: clinical testing. Allele origin: germline. Affected: yes. Observed: 1 variant allele.
Comment: CSMD1: BP4, BP7